The following is an entry in ClinVar:

NM_000946.3(PRIM1):c.638+36C>G

Gene: PRIM1 (DNA primase subunit 1; minus strand). Cytogenetic location: 12q13.3.
Variant type: single nucleotide variant.
Coding change: c.638+36C>G on transcript NM_000946.3 (MANE Select); 36 bases into the intron after coding-DNA position 638, C replaced by G.
Molecular consequence: intron variant.
Genome position (GRCh38, 1-based): chr12:56,744,029, G>C on the plus strand (C>G on the coding strand, the complement: PRIM1 is on the minus strand). VCF-style: chr12-56744029-G-C. GRCh37 (hg19) VCF-style: chr12-57137813-G-C.
Other names: IVS6, C-G, +36.
Identifiers: ClinVar variation 981920 (VCV000981920.2), dbSNP rs1487483670, ClinGen allele CA605285676.

ClinVar aggregate classification (germline): Pathogenic. Review status: criteria provided, single submitter (1 of 4 stars). 3 submissions from 3 submitters: Pathogenic (1). 2 of the submissions do not count toward it. Last evaluated 2025-12-16.

Conditions:
Primordial dwarfism-immunodeficiency-lipodystrophy syndrome (PDIL). Identifiers: MedGen C5774198, MONDO:0859276, OMIM 620005.
Seckel syndrome. Also called: Microcephalic primordial dwarfism. Identifiers: Orphanet 324761, Orphanet 808, MedGen C0265202, MONDO:0019342.

Allele frequency attached by ClinVar (database versions not stated): gnomAD exomes 0.00001 and below 0.00001.
gnomAD v4.1: 2 of 1,454,088 alleles (0.00014%); highest among the groups gnomAD compares: Non-Finnish European, 0.000094%; no homozygotes.

Submissions (3):

Intergen Genetics and Rare Diseases Diagnosis Center
Classification: Pathogenic for Primordial dwarfism-immunodeficiency-lipodystrophy syndrome. Last evaluated: 2025-12-16. Review status: criteria provided, single submitter. Criteria: ACMG Guidelines, 2015. Collection method: clinical testing. Allele origin: germline. Inheritance: Autosomal recessive inheritance. Affected: yes. Observed: 1 homozygote.
Comment: The variant PRIM1:c.638+36C>G (NM_000946.3) has been reported in multiple affected individuals in the literature (PMIDs: 33060134, 33477564, 38773012), supporting its association with disease. The variant is absent or extremely rare in population databases, fulfilling PM2. The clinical findings are consistent with previously reported PRIM1-related phenotypes. Based on published evidence in affected individuals (PS4), rarity in population databases (PM2), and phenotypic concordance in a homozygous patient, this variant supports the applied classification.

OMIM
Classification: Pathogenic for PRIMORDIAL DWARFISM-IMMUNODEFICIENCY-LIPODYSTROPHY SYNDROME. Last evaluated: 2022-08-12. Review status: no assertion criteria provided. Collection method: literature only. Allele origin: germline. Not counted in ClinVar's aggregate classification.

MRC Institute of Genetics and Molecular Medicine, University of Edinburgh
Classification: Pathogenic. Last evaluated: 2020-09-01. Review status: no assertion criteria provided. Collection method: research, in vitro. Allele origin: inherited, not applicable. Affected: yes. Observed: 4 homozygotes. Not counted in ClinVar's aggregate classification.

Literature cited by the submitters: PubMed 33060134 (cited by Intergen Genetics and Rare Diseases Diagnosis Center and OMIM); PubMed 38773012 (cited by Intergen Genetics and Rare Diseases Diagnosis Center); DOI 10.1101/gad.340190.120 (cited by MRC Institute of Genetics and Molecular Medicine, University of Edinburgh).